The following is an entry in ClinVar:

ClinVar aggregate classification (germline): Uncertain significance (1 of 4 stars; one submission).

Submission:

Labcorp Genetics (formerly Invitae), Labcorp
Classification: Uncertain significance. Last evaluated: 2024-10-03. Review status: criteria provided, single submitter. Criteria: Invitae Variant Classification Sherloc (09022015). Collection method: clinical testing. Allele origin: germline.
Comment: This sequence change replaces proline, which is neutral and non-polar, with serine, which is neutral and polar, at codon 429 of the FAM111A protein (p.Pro429Ser). This variant is present in population databases (rs149508004, gnomAD 0.004%). This variant has not been reported in the literature in individuals affected with FAM111A-related conditions. Invitae Evidence Modeling of protein sequence and biophysical properties (such as structural, functional, and spatial information, amino acid conservation, physicochemical variation, residue mobility, and thermodynamic stability) indicates that this missense variant is not expected to disrupt FAM111A protein function with a negative predictive value of 80%. In summary, the available evidence is currently insufficient to determine the role of this variant in disease. Therefore, it has been classified as a Variant of Uncertain Significance.

NM_001312909.2(FAM111A):c.1285C>T (p.Pro429Ser)

Gene: FAM111A (FAM111 trypsin like peptidase A; plus strand). Cytogenetic location: 11q12.1.
Variant type: single nucleotide variant.
Coding change: c.1285C>T on transcript NM_001312909.2 (MANE Select); coding-DNA position 1285, C replaced by T.
Protein change: p.Pro429Ser; replaces proline 429 with serine.
Molecular consequence: missense variant.
Genome position (GRCh38, 1-based): chr11:59,152,953, C>T. VCF-style: chr11-59152953-C-T. GRCh37 (hg19) VCF-style: chr11-58920426-C-T.
Other names: c.1285C>T, p.Pro429Ser (NM_001374851.1, NM_001374852.1, NM_001374853.1 and 29 more transcripts); short protein forms P429S.
Identifiers: ClinVar variation 3016585 (VCV003016585.3), dbSNP rs149508004, ClinGen allele CA6016741.